The following is an entry in ClinVar:

ClinVar aggregate classification (germline): Benign (0 of 4 stars; one submission).

Conditions:
PKD1-related disorder. Also called: PKD1-related condition.

Submission:

PreventionGenetics, part of Exact Sciences
Classification: Benign for PKD1-related condition. Last evaluated: 2019-05-23. Review status: no assertion criteria provided. Collection method: clinical testing. Allele origin: germline.
Comment: This variant is classified as benign based on ACMG/AMP sequence variant interpretation guidelines (Richards et al. 2015 PMID: 25741868, with internal and published modifications).

NM_001009944.3(PKD1):c.11713-97_11713-30del

Gene: PKD1 (polycystin 1, transient receptor potential channel interacting; minus strand). Cytogenetic location: 16p13.3.
Variant type: Deletion.
Coding change: c.11713-97_11713-30del on transcript NM_001009944.3 (MANE Select); 97 bases into the intron before coding-DNA position 11713 through 30 bases into the intron before coding-DNA position 11713, 68 bases deleted.
Molecular consequence: intron variant.
Genome position (GRCh38, 1-based): chr16:2,091,204-2,091,271, 68 bases deleted. GRCh37 (hg19): chr16:2,141,249-2,141,316.
Other names: c.11710-97_11710-30del (NM_000296.4).
Identifiers: ClinVar variation 3055513 (VCV003055513.2), dbSNP rs1567150714, ClinGen allele CA620705213.